The following is an entry in ClinVar:

NM_001361.5(DHODH):c.316G>A (p.Gly106Arg)

Gene: DHODH (dihydroorotate dehydrogenase (quinone); plus strand). Cytogenetic location: 16q22.2.
Variant type: single nucleotide variant.
Coding change: c.316G>A on transcript NM_001361.5 (MANE Select); coding-DNA position 316, G replaced by A.
Protein change: p.Gly106Arg; replaces glycine 106 with arginine.
Molecular consequence: missense variant.
Genome position (GRCh38, 1-based): chr16:72,014,554, G>A. VCF-style: chr16-72014554-G-A. GRCh37 (hg19) VCF-style: chr16-72048453-G-A.
Other names: short protein forms G106R.
Identifiers: ClinVar variation 1934758 (VCV001934758.5), dbSNP rs561068542, ClinGen allele CA8158596.

ClinVar aggregate classification (germline): Uncertain significance (1 of 4 stars; one submission).

Allele frequency attached by ClinVar (database versions not stated): gnomAD exomes below 0.00001; TOPMed 0.00001; ExAC 0.00002; gnomAD 0.00003; 1000 Genomes Project 30x 0.00016; 1000 Genomes Project 0.00020.
gnomAD v4.1: 10 of 1,614,192 alleles (0.00062%); highest among the groups gnomAD compares: East Asian, 0.0022%; no homozygotes.

Submission:

Labcorp Genetics (formerly Invitae), Labcorp
Classification: Uncertain significance. Last evaluated: 2022-03-27. Review status: criteria provided, single submitter. Criteria: Invitae Variant Classification Sherloc (09022015). Collection method: clinical testing. Allele origin: germline.
Comment: In summary, the available evidence is currently insufficient to determine the role of this variant in disease. Therefore, it has been classified as a Variant of Uncertain Significance. Algorithms developed to predict the effect of missense changes on protein structure and function are either unavailable or do not agree on the potential impact of this missense change (SIFT: "Tolerated"; PolyPhen-2: "Probably Damaging"; Align-GVGD: "Class C0"). This variant has not been reported in the literature in individuals affected with DHODH-related conditions. This variant is present in population databases (rs561068542, gnomAD 0.01%). This sequence change replaces glycine, which is neutral and non-polar, with arginine, which is basic and polar, at codon 106 of the DHODH protein (p.Gly106Arg).